The following is an entry in ClinVar:

NM_006005.3(WFS1):c.2085C>T (p.Gly695=)

Gene: WFS1 (wolframin ER transmembrane glycoprotein; plus strand). Cytogenetic location: 4p16.1.
Variant type: single nucleotide variant.
Coding change: c.2085C>T on transcript NM_006005.3 (MANE Select); coding-DNA position 2085, C replaced by T.
Protein change: p.Gly695=; no amino-acid change (glycine 695 retained).
Molecular consequence: synonymous variant.
Genome position (GRCh38, 1-based): chr4:6,301,880, C>T. VCF-style: chr4-6301880-C-T. GRCh37 (hg19) VCF-style: chr4-6303607-C-T.
Other names: c.2085C>T, p.Gly695= (NM_001145853.1).
Identifiers: ClinVar variation 507152 (VCV000507152.19), dbSNP rs150568382, ClinGen allele CA2839594.

ClinVar aggregate classification (germline): Benign/Likely benign. Review status: criteria provided, multiple submitters, no conflicts (2 of 4 stars). 6 submissions from 6 submitters: Benign (1); Likely benign (4). 1 of the submissions does not count toward it. Last evaluated 2025-12-16.

Conditions:
WFS1-related disorder. Identifiers: MedGen CN379391, MONDO:0700293.
Wolfram syndrome 1 (WFS1). Identifiers: Orphanet 3463, MedGen C4551693, MONDO:0009101, OMIM 222300.
Cataract 41 (CTRCT41). Also called: CATARACT 41, CONGENITAL NUCLEAR TYPE. Identifiers: Orphanet 91492, Orphanet 98991, Orphanet 98992, Orphanet 98995, MedGen C3805412, MONDO:0007287, OMIM 116400.
Autosomal dominant nonsyndromic hearing loss 6 (LFSNHL). Also called: DEAFNESS, AUTOSOMAL DOMINANT 14; DEAFNESS, AUTOSOMAL DOMINANT 38; Autosomal dominant nonsyndromic deafness 6; DEAFNESS, AUTOSOMAL DOMINANT 6. Identifiers: Orphanet 90635, MedGen C1833021, MONDO:0010963, OMIM 600965.
Wolfram-like syndrome. Also called: HEARING LOSS, PROGRESSIVE, WITH OPTIC ATROPHY AND/OR IMPAIRED GLUCOSE REGULATION. Identifiers: Orphanet 411590, MedGen C3280358, MONDO:0013673, OMIM 614296.
Type 2 diabetes mellitus. Also called: Type II diabetes mellitus. Identifiers: MedGen C0011860, MeSH D003924, MONDO:0005148, OMIM 125853, HP:0005978.

Allele frequency attached by ClinVar (database versions not stated): gnomAD exomes 0.00003 and 0.00011; ExAC 0.00017; 1000 Genomes Project 30x 0.00031; 1000 Genomes Project 0.00040; gnomAD 0.00040 and 0.00043; TOPMed 0.00044; ESP Exome Variant Server 0.00069.
gnomAD v4.1: 102 of 1,612,896 alleles (0.0063%); highest among the groups gnomAD compares: African/African-American, 0.13%; no homozygotes.

Submissions (6):

Labcorp Genetics (formerly Invitae), Labcorp
Classification: Benign. Last evaluated: 2025-12-16. Review status: criteria provided, single submitter. Criteria: Invitae Variant Classification Sherloc (09022015). Collection method: clinical testing. Allele origin: germline.

Blueprint Genetics
Classification: Likely benign. Last evaluated: 2024-07-01. Review status: criteria provided, single submitter. Criteria: ACMG Guidelines, 2015. Collection method: clinical testing. Allele origin: germline.

Fulgent Genetics
Classification: Likely benign for Cataract 41; Type 2 diabetes mellitus; Wolfram syndrome 1; Autosomal dominant nonsyndromic hearing loss 6; Wolfram-like syndrome. Last evaluated: 2022-01-06. Review status: criteria provided, single submitter. Criteria: ACMG Guidelines, 2015. Collection method: clinical testing. Allele origin: unknown.

GeneDx
Classification: Likely benign. Last evaluated: 2021-09-28. Review status: criteria provided, single submitter. Criteria: GeneDx Variant Classification Process June 2021. Collection method: clinical testing. Allele origin: germline. Affected: yes.
Comment: This variant is associated with the following publications: (PMID: 12955714)

Clinical Genomics, Uppaluri K&H Personalized Medicine Clinic
Classification: Likely benign for Wolfram syndrome 1. Review status: criteria provided, single submitter. Criteria: K & H Uppaluri Personalized Medicine Clinic Variant Classification & Assertion Criteria_Updated V.1. Collection method: research. Allele origin: unknown. Inheritance: Autosomal recessive inheritance.
Comment: Potent mutations in WFS1 gene are associated with Wolfram's syndrome, an autosomal recessive condition, which cause diabetes mellitus, diabetes insipidus, deafness and optic atrophy. However no sufficient evidence is found to ascertain the role of this particular variant rs150568382 in Wolfram's syndrome yet.

PreventionGenetics, part of Exact Sciences
Classification: Likely benign for WFS1-related condition. Last evaluated: 2023-10-25. Review status: no assertion criteria provided. Collection method: clinical testing. Allele origin: germline. Not counted in ClinVar's aggregate classification.
Comment: This variant is classified as likely benign based on ACMG/AMP sequence variant interpretation guidelines (Richards et al. 2015 PMID: 25741868, with internal and published modifications).

Literature cited by the submitters: PubMed 20738327 (cited by Clinical Genomics, Uppaluri K&H Personalized Medicine Clinic); PubMed 33879153 (cited by Clinical Genomics, Uppaluri K&H Personalized Medicine Clinic); PubMed 12955714 (cited by Clinical Genomics, Uppaluri K&H Personalized Medicine Clinic); PubMed 18060660 (cited by Clinical Genomics, Uppaluri K&H Personalized Medicine Clinic); PubMed 20301750 (cited by Clinical Genomics, Uppaluri K&H Personalized Medicine Clinic); PubMed 17603484 (cited by Clinical Genomics, Uppaluri K&H Personalized Medicine Clinic).